The following is an entry in ClinVar:

NM_000127.3(EXT1):c.327C>A (p.Cys109Ter)

Gene: EXT1 (exostosin glycosyltransferase 1; minus strand). Cytogenetic location: 8q24.11.
Variant type: single nucleotide variant.
Coding change: c.327C>A on transcript NM_000127.3 (MANE Select); coding-DNA position 327, C replaced by A.
Protein change: p.Cys109Ter; replaces cysteine 109 with a stop codon.
Molecular consequence: nonsense.
Genome position (GRCh38, 1-based): chr8:118,110,720, G>T on the plus strand (C>A on the coding strand, the complement: EXT1 is on the minus strand). VCF-style: chr8-118110720-G-T. GRCh37 (hg19) VCF-style: chr8-119122959-G-T.
Other names: short protein forms C109*.
Identifiers: ClinVar variation 4720295 (VCV004720295.1).

ClinVar aggregate classification (germline): Pathogenic (1 of 4 stars; one submission).

Conditions:
Multiple congenital exostosis (EXT). Also called: Multiple exostoses; MULTIPLE CARTILAGINOUS EXOSTOSES; Hereditary multiple exostoses; Hereditary multiple exostosis; Multiple osteochondromas; Hereditary multiple osteochondromas. Identifiers: Orphanet 321, MedGen C0015306, MONDO:0005508, HP:0002762.

Submission:

Labcorp Genetics (formerly Invitae), Labcorp
Classification: Pathogenic for Multiple congenital exostosis. Last evaluated: 2025-05-26. Review status: criteria provided, single submitter. Criteria: Invitae Variant Classification Sherloc (09022015). Collection method: clinical testing. Allele origin: germline.
Comment: This sequence change creates a premature translational stop signal (p.Cys109*) in the EXT1 gene. It is expected to result in an absent or disrupted protein product. Loss-of-function variants in EXT1 are known to be pathogenic (PMID: 10679937, 11391482, 19810120). This variant is not present in population databases (gnomAD no frequency). This variant has not been reported in the literature in individuals affected with EXT1-related conditions. For these reasons, this variant has been classified as Pathogenic.

Literature cited by the submitters: PubMed 10679937; PubMed 11391482; PubMed 19810120.